The following is an entry in ClinVar:

ClinVar aggregate classification (germline): Likely benign. Review status: criteria provided, multiple submitters, no conflicts (2 of 4 stars). 2 submissions from 2 submitters: Likely benign (2). Last evaluated 2025-07-10.

Conditions:
EPS8L2-related disorder. Also called: EPS8L2-related condition.

Allele frequency attached by ClinVar (database versions not stated): gnomAD exomes 0.00035; ExAC 0.00046; ESP Exome Variant Server 0.00046; TOPMed 0.00046; gnomAD 0.00047 and 0.00050.

Submissions (2):

Labcorp Genetics (formerly Invitae), Labcorp
Classification: Likely benign. Last evaluated: 2025-07-10. Review status: criteria provided, single submitter. Criteria: Invitae Variant Classification Sherloc (09022015). Collection method: clinical testing. Allele origin: germline.

PreventionGenetics, part of Exact Sciences
Classification: Likely benign for EPS8L2-related condition. Last evaluated: 2025-04-29. Review status: criteria provided, single submitter. Criteria: ACMG Guidelines, 2015. Collection method: clinical testing. Allele origin: germline.
Comment: This variant is classified as likely benign based on ACMG/AMP sequence variant interpretation guidelines (Richards et al. 2015 PMID: 25741868, with internal and published modifications).

NM_022772.4(EPS8L2):c.769-10C>T

Gene: EPS8L2 (EPS8 signaling adaptor L2; plus strand). Cytogenetic location: 11p15.5.
Variant type: single nucleotide variant.
Coding change: c.769-10C>T on transcript NM_022772.4 (MANE Select); 10 bases into the intron before coding-DNA position 769, C replaced by T.
Molecular consequence: intron variant.
Genome position (GRCh38, 1-based): chr11:721,555, C>T. VCF-style: chr11-721555-C-T. GRCh37 (hg19) VCF-style: chr11-721555-C-T.
Other names: c.769-10C>T (NM_022772.3).
Identifiers: ClinVar variation 1575531 (VCV001575531.9), dbSNP rs371342772, ClinGen allele CA5787261.